The following is an entry in ClinVar:

ClinVar aggregate classification (germline): Uncertain significance (1 of 4 stars; one submission).

Conditions:
Ataxia-telangiectasia syndrome (AT). Also called: Ataxia-telangiectasia, complementation group D; AT, COMPLEMENTATION GROUP C; ATAXIA-TELANGIECTASIA, COMPLEMENTATION GROUP A; ATAXIA-TELANGIECTASIA, FRESNO VARIANT; Ataxia-telangiectasia; Ataxia telangiectasia (A-T). Identifiers: Orphanet 100, MedGen C0004135, MONDO:0008840, OMIM 208900.

Submission:

Labcorp Genetics (formerly Invitae), Labcorp
Classification: Uncertain significance for Ataxia-telangiectasia syndrome. Last evaluated: 2019-05-07. Review status: criteria provided, single submitter. Criteria: Invitae Variant Classification Sherloc (09022015). Collection method: clinical testing. Allele origin: germline.
Comment: In summary, the available evidence is currently insufficient to determine the role of this variant in disease. Therefore, it has been classified as a Variant of Uncertain Significance. Algorithms developed to predict the effect of missense changes on protein structure and function are either unavailable or do not agree on the potential impact of this missense change (SIFT: "Deleterious"; PolyPhen-2: "Probably Damaging"; Align-GVGD: "Class C0"). This variant has not been reported in the literature in individuals with ATM-related conditions. This variant is not present in population databases (ExAC no frequency). This sequence change replaces phenylalanine with isoleucine at codon 2846 of the ATM protein (p.Phe2846Ile). The phenylalanine residue is highly conserved and there is a small physicochemical difference between phenylalanine and isoleucine.

NM_000051.4(ATM):c.8536T>A (p.Phe2846Ile)

Genes: ATM (ATM serine/threonine kinase; plus strand), C11orf65 (chromosome 11 open reading frame 65; minus strand). Cytogenetic location: 11q22.3.
Variant type: single nucleotide variant.
Coding change: c.8536T>A on transcript NM_000051.4 (MANE Select); coding-DNA position 8536, T replaced by A.
Protein change: p.Phe2846Ile; replaces phenylalanine 2846 with isoleucine.
Molecular consequence: missense variant. On other transcripts: intron variant (2).
Genome position (GRCh38, 1-based): chr11:108,345,860, T>A. VCF-style: chr11-108345860-T-A. GRCh37 (hg19) VCF-style: chr11-108216587-T-A.
Other names: c.8536T>A, p.Phe2846Ile (NM_001351834.2); c.641-36789A>T (NM_001330368.2); c.695-10568A>T (NM_001351110.2); short protein forms F2846I.
Identifiers: ClinVar variation 944872 (VCV000944872.10), dbSNP rs1591265229, ClinGen allele CA382518381.